The following is an entry in ClinVar:

NM_001080477.4(TENM3):c.3167C>G (p.Ala1056Gly)

Gene: TENM3 (teneurin transmembrane protein 3; plus strand). Cytogenetic location: 4q35.1.
Variant type: single nucleotide variant.
Coding change: c.3167C>G on transcript NM_001080477.4 (MANE Select); coding-DNA position 3167, C replaced by G.
Protein change: p.Ala1056Gly; replaces alanine 1056 with glycine.
Molecular consequence: missense variant.
Genome position (GRCh38, 1-based): chr4:182,737,007, C>G. VCF-style: chr4-182737007-C-G. GRCh37 (hg19) VCF-style: chr4-183658160-C-G.
Other names: c.3167C>G (NM_001080477.3); c.2378C>G, p.Ala793Gly (NM_001415960.1); c.2351C>G, p.Ala784Gly (NM_001415961.1, NM_001415962.1, NM_001415963.1 and 1 more transcripts); c.2888C>G, p.Ala963Gly (NM_001415966.1, NM_001415967.1, NM_001415976.1 and 1 more transcripts); c.3167C>G, p.Ala1056Gly (NM_001415968.1, NM_001415969.1, NM_001415970.1 and 4 more transcripts); short protein forms A1056G, A784G, A963G, A793G.
Identifiers: ClinVar variation 2330215 (VCV002330215.4), dbSNP rs374041884, ClinGen allele CA3148115.

ClinVar aggregate classification (germline): Uncertain significance. Review status: criteria provided, multiple submitters, no conflicts (2 of 4 stars). 3 submissions from 3 submitters: Uncertain significance (3). Last evaluated 2025-12-16.

Conditions:
Inborn genetic diseases. Identifiers: MedGen C0950123, MeSH D030342.
TENM3-related disorder. Also called: TENM3-related condition.

Allele frequency attached by ClinVar (database versions not stated): ExAC 0.00003; ESP Exome Variant Server 0.00008; gnomAD 0.00011; TOPMed 0.00013.
gnomAD v4.1: 98 of 1,613,632 alleles (0.0061%); highest among the groups gnomAD compares: Admixed American, 0.025%; no homozygotes.

Submissions (3):

Labcorp Genetics (formerly Invitae), Labcorp
Classification: Uncertain significance. Last evaluated: 2025-12-16. Review status: criteria provided, single submitter. Criteria: Invitae Variant Classification Sherloc (09022015). Collection method: clinical testing. Allele origin: germline.
Comment: This sequence change replaces alanine, which is neutral and non-polar, with glycine, which is neutral and non-polar, at codon 1056 of the TENM3 protein (p.Ala1056Gly). This variant is present in population databases (rs374041884, gnomAD 0.03%). This variant has not been reported in the literature in individuals affected with TENM3-related conditions. ClinVar contains an entry for this variant (Variation ID: 2330215). Invitae Evidence Modeling of protein sequence and biophysical properties (such as structural, functional, and spatial information, amino acid conservation, physicochemical variation, residue mobility, and thermodynamic stability) indicates that this missense variant is expected to disrupt TENM3 protein function with a positive predictive value of 80%. In summary, the available evidence is currently insufficient to determine the role of this variant in disease. Therefore, it has been classified as a Variant of Uncertain Significance.

PreventionGenetics, part of Exact Sciences
Classification: Uncertain significance for TENM3-related condition. Last evaluated: 2025-08-14. Review status: criteria provided, single submitter. Criteria: ACMG Guidelines, 2015. Collection method: clinical testing. Allele origin: germline.
Comment: The TENM3 c.3167C>G variant is predicted to result in the amino acid substitution p.Ala1056Gly. To our knowledge, this variant has not been reported in the literature. This variant is reported in 0.031% of alleles in individuals of Latino descent in gnomAD. At this time, the clinical significance of this variant is uncertain due to the absence of conclusive functional and genetic evidence.

Ambry Genetics
Classification: Uncertain significance for Inborn genetic diseases. Last evaluated: 2021-05-10. Review status: criteria provided, single submitter. Criteria: Ambry Variant Classification Scheme 2023. Collection method: clinical testing. Allele origin: germline.